The following is an entry in ClinVar:

NM_001384900.1(SEMA3D):c.2152C>A (p.Gln718Lys)

Genes: SEMA3D (semaphorin 3D; minus strand), LOC126860094 (BRD4-independent group 4 enhancer GRCh37_chr7:84628763-84629962; plus strand). Cytogenetic location: 7q21.11.
Variant type: single nucleotide variant.
Coding change: c.2152C>A on transcript NM_001384900.1 (MANE Select); coding-DNA position 2152, C replaced by A.
Protein change: p.Gln718Lys; replaces glutamine 718 with lysine.
Molecular consequence: missense variant.
Genome position (GRCh38, 1-based): chr7:84,999,622, G>T on the plus strand (C>A on the coding strand, the complement: SEMA3D is on the minus strand). VCF-style: chr7-84999622-G-T. GRCh37 (hg19) VCF-style: chr7-84628938-G-T.
Other names: c.2152C>A, p.Gln718Lys (NM_001384901.1, NM_001384902.1, NM_001384903.1 and 1 more transcripts); short protein forms Q718K.
Identifiers: ClinVar variation 4988355 (VCV004988355.1).

ClinVar aggregate classification (germline): Uncertain significance (1 of 4 stars; one submission).

Conditions:
SEMA3D-related disorder. Also called: SEMA3D-related condition.

gnomAD v4.1: 3 of 1,614,058 alleles (0.00019%); highest among the groups gnomAD compares: Admixed American, 0.0017%; no homozygotes.

Submission:

PreventionGenetics, part of Exact Sciences
Classification: Uncertain significance for SEMA3D-related condition. Last evaluated: 2025-05-13. Review status: criteria provided, single submitter. Criteria: ACMG Guidelines, 2015. Collection method: clinical testing. Allele origin: germline.
Comment: The SEMA3D c.2152C>A variant is predicted to result in the amino acid substitution p.Gln718Lys. To our knowledge, this variant has not been reported in the literature. This variant is reported in 0.0029% of alleles in individuals of Latino descent in gnomAD. At this time, the clinical significance of this variant is uncertain due to the absence of conclusive functional and genetic evidence.